The following is an entry in ClinVar:

NM_014363.6(SACS):c.9916_9922del (p.Leu3306fs)

Gene: SACS (sacsin molecular chaperone; minus strand). Cytogenetic location: 13q12.12.
Variant type: Deletion.
Coding change: c.9916_9922del on transcript NM_014363.6 (MANE Select); coding-DNA positions 9916 to 9922, 7 bases deleted (CTTATGC; older notation c.9916_9922delCTTATGC).
Protein change: p.Leu3306fs; shifts the reading frame from leucine 3306.
Molecular consequence: frameshift variant.
Genome position (GRCh38, 1-based): chr13:23,333,954-23,333,960, GCATAAG deleted on the plus strand (CTTATGC on the coding strand, the reverse complement: SACS is on the minus strand); deleting any 7 consecutive bases within chr13:23,333,954-23,333,962 gives the same sequence; the c. name uses the placement nearest the transcript's 3' end. VCF-style (leftmost placement, unchanged base first): chr13-23333953-TGCATAAG-T. GRCh37 (hg19) VCF-style: chr13-23908092-TGCATAAG-T.
Other names: c.9475_9481del, p.Leu3159fs (NM_001278055.2); short protein forms L3159fs, L3306fs.
Identifiers: ClinVar variation 4061138 (VCV004061138.2).
Genomic context (GRCh38, chr13:23,333,953, plus strand): 5'-CCAGCTTTCATTAGAGCATGAAAAACTTTATCACTCTGGGCATTTGGAAAAACTGCAATG[TGCATAAG>T]GCTGAGAGGAAGCAGAACATCTCCTTCAGGAACCACAAGCTGGTTGGCTGAAACAGTAAA-3'

ClinVar aggregate classification (germline): Likely pathogenic (1 of 4 stars; one submission).

Conditions:
Charlevoix-Saguenay spastic ataxia (SACS). Also called: AUTOSOMAL RECESSIVE SPASTIC ATAXIA OF CHARLEVOIX-SAGUENAY; Spastic ataxia of Charlevoix-Saguenay; SPASTIC ATAXIA 6, AUTOSOMAL RECESSIVE. Identifiers: Orphanet 98, MedGen C1849140, MONDO:0010041, OMIM 270550.

Submission:

Natera, Inc.
Classification: Likely pathogenic for Charlevoix-Saguenay type spastic ataxia. Last evaluated: 2025-02-19. Review status: criteria provided, single submitter. Criteria: Natera Variant Classification Schema (03/2026). Collection method: clinical testing. Allele origin: germline.
Comment: The c.9916_9922del variant in SACS is a frameshift variant predicted to shift the reading frame beginning at codon 3306 and leads to a stop codon 17 codons downstream. This variant is expected to result in nonsense mediated decay, truncation, or a dysfunctional protein product. This variant is rare in the general population with a frequency below the threshold expected for the associated phenotype(s). Given the available evidence, this variant is classified as Likely Pathogenic.